The following continues an entry in ClinVar:

NM_000059.4(BRCA2):c.7976+1G>A

Gene: BRCA2. ClinVar aggregate classification (germline): Pathogenic. Pathogenic (1).

Submissions 9 to 13 of 13:

Color Diagnostics, LLC DBA Color Health
Classification: Pathogenic for Hereditary cancer-predisposing syndrome. Last evaluated: 2020-07-22. Review status: criteria provided, single submitter. Criteria: ACMG Guidelines, 2015. Collection method: clinical testing. Allele origin: germline. Not counted in ClinVar's aggregate classification.
Comment: This variant causes a G>A change at the +1 position in intron 17 of the BRCA2 gene. Functional RNA studies have shown that this variant and a similar splice site variant, c.7976+2C>G, resulted in the skipping of exon 17 and exons 17 and 18, causing the partial deletion of the DNA binding/OB tower domain of the BRCA2 protein and a frameshift, respectively (PMID: 28339459, 31843900). The in-frame deleted protein region contains 5 pathogenic missense variants reported in ClinVar (variation ID: 52423, 38125, 52430, 52455, 38131), which suggests that this region may be functionally important. The variant is expected to result in an absent or non-functional protein product. This variant has been reported in individuals affected with breast cancer and a family with strong history of breast/ovarian cancer (PMID: 17851763, 18703817, 31131967). This variant has not been identified in the general population by the Genome Aggregation Database (gnomAD). Loss of BRCA2 function is a known mechanism of disease. Based on available evidence, this variant is classified as Pathogenic.

Blueprint Genetics
Classification: Pathogenic for BRCA2-related disorders. Last evaluated: 2018-10-10. Review status: criteria provided, single submitter. Criteria: ACMG Guidelines, 2015. Collection method: clinical testing. Allele origin: germline. Affected: yes. Observed: 1 variant allele. Not counted in ClinVar's aggregate classification.

Consortium of Investigators of Modifiers of BRCA1/2 (CIMBA), c/o University of Cambridge
Classification: Pathogenic for Breast-ovarian cancer, familial, susceptibility to, 2. Last evaluated: 2015-10-02. Review status: criteria provided, single submitter. Criteria: CIMBA Mutation Classification guidelines May 2016. Collection method: clinical testing. Allele origin: germline. Not counted in ClinVar's aggregate classification.

Breast Cancer Information Core (BIC) (BRCA2)
Classification: Pathogenic for Breast-ovarian cancer, familial 2. Last evaluated: 2013-02-20. Review status: no assertion criteria provided. Collection method: clinical testing. Allele origin: germline, somatic. Affected: yes. Observed: 3 variant alleles. Not counted in ClinVar's aggregate classification.

Sharing Clinical Reports Project (SCRP)
Classification: Pathogenic for Breast-ovarian cancer, familial 2. Last evaluated: 2010-11-19. Review status: no assertion criteria provided. Collection method: clinical testing. Allele origin: germline. Not counted in ClinVar's aggregate classification.

Literature cited by the submitters: PubMed 31131967 (cited by Evidence-based Network for the Interpretation of Germline Mutant Alleles (ENIGMA) and Laboratory for Molecular Medicine, Mass General Brigham Personalized Medicine); PubMed 28339459 (cited by 5 submitters); PubMed 18703817 (cited by 3 submitters); PubMed 28993434 (cited by 3 submitters); PubMed 30078507 (cited by Women's Health and Genetics/Laboratory Corporation of America, LabCorp and Laboratory for Molecular Medicine, Mass General Brigham Personalized Medicine); PubMed 37310942 (cited by Women's Health and Genetics/Laboratory Corporation of America, LabCorp); PubMed 17851763 (cited by Labcorp Genetics (formerly Invitae), Labcorp); PubMed 22970155 (cited by Labcorp Genetics (formerly Invitae), Labcorp); PubMed 29446198 (cited by Labcorp Genetics (formerly Invitae), Labcorp and Laboratory for Molecular Medicine, Mass General Brigham Personalized Medicine); PubMed 31191615 (cited by Labcorp Genetics (formerly Invitae), Labcorp); PubMed 22678057 (cited by Labcorp Genetics (formerly Invitae), Labcorp); PubMed 29061967 (cited by Labcorp Genetics (formerly Invitae), Labcorp); PubMed 25525159 (cited by Ambry Genetics); PubMed 26187060 (cited by Laboratory for Molecular Medicine, Mass General Brigham Personalized Medicine); PubMed 30702160 (cited by Laboratory for Molecular Medicine, Mass General Brigham Personalized Medicine).